The following is an entry in ClinVar:

NM_031220.4(PITPNM3):c.1124C>T (p.Pro375Leu)

Gene: PITPNM3 (PITPNM family member 3; minus strand). Cytogenetic location: 17p13.2.
Variant type: single nucleotide variant.
Coding change: c.1124C>T on transcript NM_031220.4 (MANE Select); coding-DNA position 1124, C replaced by T.
Protein change: p.Pro375Leu; replaces proline 375 with leucine.
Molecular consequence: missense variant.
Genome position (GRCh38, 1-based): chr17:6,474,566, G>A on the plus strand (C>T on the coding strand, the complement: PITPNM3 is on the minus strand). VCF-style: chr17-6474566-G-A. GRCh37 (hg19) VCF-style: chr17-6377886-G-A.
Other names: c.1016C>T, p.Pro339Leu (NM_001165966.2); short protein forms P375L, P339L.
Identifiers: ClinVar variation 167471 (VCV000167471.20), dbSNP rs138671220, ClinGen allele CA234557.

ClinVar aggregate classification (germline): Conflicting classifications of pathogenicity. Review status: criteria provided, conflicting classifications (1 of 4 stars). 4 submissions from 4 submitters: Uncertain significance (1); Likely benign (2). 1 of the submissions does not count toward it. Last evaluated 2025-11-10.

Conditions:
PITPNM3-related disorder. Also called: PITPNM3-related condition.
Cone-rod dystrophy 5 (CORD5). Identifiers: Orphanet 1872, MedGen C1832976, MONDO:0010969, OMIM 600977.

Allele frequency attached by ClinVar (database versions not stated): gnomAD exomes 0.00004 and 0.00007; gnomAD 0.00021 and 0.00022; TOPMed 0.00031; ExAC 0.00016; ESP Exome Variant Server 0.00039.
gnomAD v4.1: 97 of 1,589,784 alleles (0.0061%); highest among the groups gnomAD compares: Middle Eastern, 0.35%; no homozygotes.

Submissions (4):

Labcorp Genetics (formerly Invitae), Labcorp
Classification: Likely benign. Last evaluated: 2025-11-10. Review status: criteria provided, single submitter. Criteria: Invitae Variant Classification Sherloc (09022015). Collection method: clinical testing. Allele origin: germline.

Illumina Laboratory Services, Illumina
Classification: Likely benign for Cone-rod dystrophy 5. Last evaluated: 2018-01-12. Review status: criteria provided, single submitter. Criteria: ICSL Variant Classification Criteria 13 December 2019. Collection method: clinical testing. Allele origin: germline.
Comment: This variant was observed in the ICSL laboratory as part of a predisposition screen in an ostensibly healthy population. It had not been previously curated by ICSL or reported in the Human Gene Mutation Database (HGMD: prior to June 1st, 2018), and was therefore a candidate for classification through an automated scoring system. Utilizing variant allele frequency, disease prevalence and penetrance estimates, and inheritance mode, an automated score was calculated to assess if this variant is too frequent to cause the disease. Based on the score and internal cut-off values, a variant classified as likely benign is not then subjected to further curation. The score for this variant resulted in a classification of likely benign for this disease.

Eurofins Ntd Llc (ga)
Classification: Uncertain significance. Last evaluated: 2014-04-27. Review status: criteria provided, single submitter. Criteria: EGL Classification Definitions 2015. Collection method: clinical testing. Allele origin: germline. Observed: 1 variant allele, 1 heterozygote.

PreventionGenetics, part of Exact Sciences
Classification: Likely benign for PITPNM3-related condition. Last evaluated: 2022-11-15. Review status: no assertion criteria provided. Collection method: clinical testing. Allele origin: germline. Not counted in ClinVar's aggregate classification.
Comment: This variant is classified as likely benign based on ACMG/AMP sequence variant interpretation guidelines (Richards et al. 2015 PMID: 25741868, with internal and published modifications).